The following is an entry in ClinVar:

NM_003482.4(KMT2D):c.14075G>A (p.Arg4692Lys)

Gene: KMT2D (lysine methyltransferase 2D; minus strand). Cytogenetic location: 12q13.12.
Variant type: single nucleotide variant.
Coding change: c.14075G>A on transcript NM_003482.4 (MANE Select); coding-DNA position 14075, G replaced by A.
Protein change: p.Arg4692Lys; replaces arginine 4692 with lysine.
Molecular consequence: missense variant.
Genome position (GRCh38, 1-based): chr12:49,029,401, C>T on the plus strand (G>A on the coding strand, the complement: KMT2D is on the minus strand). VCF-style: chr12-49029401-C-T. GRCh37 (hg19) VCF-style: chr12-49423184-C-T.
Other names: short protein forms R4692K.
Identifiers: ClinVar variation 5018157 (VCV005018157.1).

ClinVar aggregate classification (germline): Uncertain significance (1 of 4 stars; one submission).

Submission:

GeneDx
Classification: Uncertain significance. Last evaluated: 2026-04-06. Review status: criteria provided, single submitter. Criteria: GeneDx Variant Classification Process June 2021. Collection method: clinical testing. Allele origin: germline.
Comment: Not observed at significant frequency in large population cohorts (gnomAD); In silico analysis supports that this missense variant has a deleterious effect on protein structure/function; Has not been previously published as pathogenic or benign to our knowledge; In silico analysis is inconclusive as to whether the variant alters gene splicing. In the absence of RNA/functional studies, the actual effect of this sequence change is unknown.